The following is an entry in ClinVar:

ClinVar aggregate classification (germline): Uncertain significance (1 of 4 stars; one submission).

Conditions:
Inborn genetic diseases. Identifiers: MedGen C0950123, MeSH D030342.

Submission:

Ambry Genetics
Classification: Uncertain significance for Inborn genetic diseases. Last evaluated: 2025-12-15. Review status: criteria provided, single submitter. Criteria: Ambry Variant Classification Scheme 2023. Collection method: clinical testing. Allele origin: germline.
Comment: The p.R78P variant (also known as c.233G>C), located in coding exon 2 of the GATA2 gene, results from a G to C substitution at nucleotide position 233. The arginine at codon 78 is replaced by proline, an amino acid with dissimilar properties. This amino acid position is conserved. In addition, this alteration is predicted to be deleterious by in silico analysis. Based on the available evidence, the clinical significance of this variant remains unclear.

NM_032638.5(GATA2):c.233G>C (p.Arg78Pro)

Gene: GATA2 (GATA binding protein 2; minus strand). Cytogenetic location: 3q21.3.
Variant type: single nucleotide variant.
Coding change: c.233G>C on transcript NM_032638.5 (MANE Select); coding-DNA position 233, G replaced by C.
Protein change: p.Arg78Pro; replaces arginine 78 with proline.
Molecular consequence: missense variant.
Genome position (GRCh38, 1-based): chr3:128,486,365, C>G on the plus strand (G>C on the coding strand, the complement: GATA2 is on the minus strand). VCF-style: chr3-128486365-C-G. GRCh37 (hg19) VCF-style: chr3-128205208-C-G.
Other names: c.233G>C, p.Arg78Pro (NM_001145661.2, NM_001145662.1); short protein forms R78P.
Identifiers: ClinVar variation 4842557 (VCV004842557.1).
Genomic context (GRCh38, chr3:128,486,365, plus strand): 5'-AGCCAGGGCAAACCCGGGCTGTGCAACAAGTGTGGGCGGCACATCTGGCCTCCGGTCAGG[C>G]GGGCTGCGGGCAAAGAGAGAGAGGATCAGGGTGGGCAGAAAGATCAGGGTAGGCAGAGCT-3'
Protein context (NP_116027.2, residues 68-88): ARVSYSPAHA[Arg78Pro]LTGGQMCRPH